The following is an entry in ClinVar:

NM_001040108.2(MLH3):c.1327T>G (p.Tyr443Asp)

Gene: MLH3 (mutL homolog 3; minus strand). Cytogenetic location: 14q24.3.
Variant type: single nucleotide variant.
Coding change: c.1327T>G on transcript NM_001040108.2 (MANE Select); coding-DNA position 1327, T replaced by G.
Protein change: p.Tyr443Asp; replaces tyrosine 443 with aspartic acid.
Molecular consequence: missense variant.
Genome position (GRCh38, 1-based): chr14:75,048,329, A>C on the plus strand (T>G on the coding strand, the complement: MLH3 is on the minus strand). VCF-style: chr14-75048329-A-C. GRCh37 (hg19) VCF-style: chr14-75515032-A-C.
Other names: c.1327T>G, p.Tyr443Asp (NM_014381.3); short protein forms Y443D.
Identifiers: ClinVar variation 1770044 (VCV001770044.3), dbSNP rs766028168, ClinGen allele CA7275893.
Genomic context (GRCh38, chr14:75,048,329, plus strand): 5'-TGTCTTTGTTTTGTAAAGATGGCTCTGTCATTTTGCTATGGCCTGGACCACCTGATTCAT[A>C]AATGTACAAAAATGCATCATTTGTATTTTTTCTGGTAGCTTCTGAATCCCTAGAACTCTG-3'
Protein context (NP_001035197.1, residues 433-453): KNTNDAFLYI[Tyr443Asp]ESGGPGHSKM

ClinVar aggregate classification (germline): Uncertain significance (1 of 4 stars; one submission).

Allele frequency attached by ClinVar (database versions not stated): ExAC 0.00001; gnomAD 0.00001.
gnomAD v4.1: 1 of 1,613,940 alleles (0.000062%); highest among the groups gnomAD compares: African/African-American, 0.0013%; no homozygotes.

Submission:

Ambry Genetics
Classification: Uncertain significance. Last evaluated: 2024-11-05. Review status: criteria provided, single submitter. Criteria: Ambry Variant Classification Scheme 2023. Collection method: clinical testing. Allele origin: germline.
Comment: The p.Y443D variant (also known as c.1327T>G), located in coding exon 1 of the MLH3 gene, results from a T to G substitution at nucleotide position 1327. The tyrosine at codon 443 is replaced by aspartic acid, an amino acid with highly dissimilar properties. This amino acid position is conserved. In addition, this alteration is predicted to be tolerated by in silico analysis. Since supporting evidence is limited at this time, the clinical significance of this alteration remains unclear.